The following is an entry in ClinVar:

NM_000548.5(TSC2):c.3899T>G (p.Met1300Arg)

Gene: TSC2 (TSC complex subunit 2; plus strand). Cytogenetic location: 16p13.3.
Variant type: single nucleotide variant.
Coding change: c.3899T>G on transcript NM_000548.5 (MANE Select); coding-DNA position 3899, T replaced by G.
Protein change: p.Met1300Arg; replaces methionine 1300 with arginine.
Molecular consequence: missense variant. On other transcripts: non-coding transcript variant (5).
Genome position (GRCh38, 1-based): chr16:2,083,710, T>G. VCF-style: chr16-2083710-T-G. GRCh37 (hg19) VCF-style: chr16-2133711-T-G.
Other names: c.3731T>G, p.Met1244Arg (NM_001318832.2); c.3701T>G, p.Met1234Arg (NM_001363528.2); c.3767T>G, p.Met1256Arg (NM_001370404.1); c.3587T>G, p.Met1196Arg (NM_001406678.1); c.3680T>G, p.Met1227Arg (NM_001406676.1); c.3641T>G, p.Met1214Arg (NM_001406677.1); c.3551T>G, p.Met1184Arg (NM_001406679.1); c.3299T>G, p.Met1100Arg (NM_001406680.1); and 26 more; short protein forms M1100R, M1230R, M1233R, M1234R, M1240R, M1264R, M1299R, M785R.
Identifiers: ClinVar variation 2564693 (VCV002564693.5), dbSNP rs1349341137, ClinGen allele CA394296836.

ClinVar aggregate classification (germline): Uncertain significance. Review status: criteria provided, multiple submitters, no conflicts (2 of 4 stars). 2 submissions from 2 submitters: Uncertain significance (2). Last evaluated 2025-10-14.

Conditions:
Tuberous sclerosis 2 (TSC2). Identifiers: Orphanet 805, MedGen C1860707, MONDO:0013199, OMIM 613254.
Hereditary cancer-predisposing syndrome. Also called: Neoplastic Syndromes, Hereditary; Hereditary Cancer Syndrome; Tumor predisposition; Hereditary neoplastic syndrome. Identifiers: Orphanet 140162, MedGen C0027672, MeSH D009386, MONDO:0015356.

Submissions (2):

Labcorp Genetics (formerly Invitae), Labcorp
Classification: Uncertain significance for Tuberous sclerosis 2. Last evaluated: 2025-10-14. Review status: criteria provided, single submitter. Criteria: Invitae Variant Classification Sherloc (09022015). Collection method: clinical testing. Allele origin: germline.
Comment: This sequence change replaces methionine, which is neutral and non-polar, with arginine, which is basic and polar, at codon 1300 of the TSC2 protein (p.Met1300Arg). This variant is not present in population databases (gnomAD no frequency). This variant has not been reported in the literature in individuals affected with TSC2-related conditions. ClinVar contains an entry for this variant (Variation ID: 2564693). Invitae Evidence Modeling of protein sequence and biophysical properties (such as structural, functional, and spatial information, amino acid conservation, physicochemical variation, residue mobility, and thermodynamic stability) indicates that this missense variant is not expected to disrupt TSC2 protein function with a negative predictive value of 95%. In summary, the available evidence is currently insufficient to determine the role of this variant in disease. Therefore, it has been classified as a Variant of Uncertain Significance.

Ambry Genetics
Classification: Uncertain significance for Hereditary cancer-predisposing syndrome. Last evaluated: 2023-04-18. Review status: criteria provided, single submitter. Criteria: Ambry Variant Classification Scheme 2023. Collection method: clinical testing. Allele origin: germline.
Comment: The p.M1300R variant (also known as c.3899T>G), located in coding exon 32 of the TSC2 gene, results from a T to G substitution at nucleotide position 3899. The methionine at codon 1300 is replaced by arginine, an amino acid with similar properties. This amino acid position is conserved. In addition, the in silico prediction for this alteration is inconclusive. Since supporting evidence is limited at this time, the clinical significance of this alteration remains unclear.